The following is an entry in ClinVar:

NM_032444.4(SLX4):c.53C>G (p.Ser18Cys)

Gene: SLX4 (SLX4 structure-specific endonuclease subunit; minus strand). Cytogenetic location: 16p13.3.
Variant type: single nucleotide variant.
Coding change: c.53C>G on transcript NM_032444.4 (MANE Select); coding-DNA position 53, C replaced by G.
Protein change: p.Ser18Cys; replaces serine 18 with cysteine.
Molecular consequence: missense variant.
Genome position (GRCh38, 1-based): chr16:3,608,912, G>C on the plus strand (C>G on the coding strand, the complement: SLX4 is on the minus strand). VCF-style: chr16-3608912-G-C. GRCh37 (hg19) VCF-style: chr16-3658913-G-C.
Other names: short protein forms S18C.
Identifiers: ClinVar variation 3703137 (VCV003703137.2).

ClinVar aggregate classification (germline): Uncertain significance (1 of 4 stars; one submission).

Conditions:
Fanconi anemia (FA). Also called: Fanconi's anemia. Identifiers: Orphanet 84, MedGen C0015625, MeSH D005199, MONDO:0019391.

Submission:

Labcorp Genetics (formerly Invitae), Labcorp
Classification: Uncertain significance for Fanconi anemia. Last evaluated: 2024-11-05. Review status: criteria provided, single submitter. Criteria: Invitae Variant Classification Sherloc (09022015). Collection method: clinical testing. Allele origin: germline.
Comment: This sequence change replaces serine, which is neutral and polar, with cysteine, which is neutral and slightly polar, at codon 18 of the SLX4 protein (p.Ser18Cys). This variant is not present in population databases (gnomAD no frequency). This variant has not been reported in the literature in individuals affected with SLX4-related conditions. An algorithm developed to predict the effect of missense changes on protein structure and function (PolyPhen-2) suggests that this variant is likely to be tolerated. In summary, the available evidence is currently insufficient to determine the role of this variant in disease. Therefore, it has been classified as a Variant of Uncertain Significance.